The following is an entry in ClinVar:

ClinVar aggregate classification (germline): Uncertain significance. Review status: criteria provided, multiple submitters, no conflicts (2 of 4 stars). 2 submissions from 2 submitters: Uncertain significance (2). Last evaluated 2025-12-08.

Conditions:
Atrial fibrillation, familial, 7 (ATFB7). Identifiers: MedGen C2677106, MONDO:0012828, OMIM 612240.
Inborn genetic diseases. Identifiers: MedGen C0950123, MeSH D030342.

Allele frequency attached by ClinVar (database versions not stated): TOPMed 0.00002; gnomAD 0.00003.
gnomAD v4.1: 3 of 1,613,640 alleles (0.00019%); highest among the groups gnomAD compares: African/African-American, 0.004%; no homozygotes.

Submissions (2):

Ambry Genetics
Classification: Uncertain significance for Inborn genetic diseases. Last evaluated: 2025-12-08. Review status: criteria provided, single submitter. Criteria: Ambry Variant Classification Scheme 2023. Collection method: clinical testing. Allele origin: germline.

Labcorp Genetics (formerly Invitae), Labcorp
Classification: Uncertain significance for Atrial fibrillation, familial, 7. Last evaluated: 2025-12-08. Review status: criteria provided, single submitter. Criteria: Invitae Variant Classification Sherloc (09022015). Collection method: clinical testing. Allele origin: germline.
Comment: This sequence change replaces valine, which is neutral and non-polar, with phenylalanine, which is neutral and non-polar, at codon 259 of the KCNA5 protein (p.Val259Phe). This variant is present in population databases (no rsID available, gnomAD 0.01%). This variant has not been reported in the literature in individuals affected with KCNA5-related conditions. ClinVar contains an entry for this variant (Variation ID: 574748). Invitae Evidence Modeling of protein sequence and biophysical properties (such as structural, functional, and spatial information, amino acid conservation, physicochemical variation, residue mobility, and thermodynamic stability) indicates that this missense variant is not expected to disrupt KCNA5 protein function with a negative predictive value of 80%. In summary, the available evidence is currently insufficient to determine the role of this variant in disease. Therefore, it has been classified as a Variant of Uncertain Significance.

NM_002234.4(KCNA5):c.775G>T (p.Val259Phe)

Gene: KCNA5 (potassium voltage-gated channel subfamily A member 5; plus strand). Cytogenetic location: 12p13.32.
Variant type: single nucleotide variant.
Coding change: c.775G>T on transcript NM_002234.4 (MANE Select); coding-DNA position 775, G replaced by T.
Protein change: p.Val259Phe; replaces valine 259 with phenylalanine.
Molecular consequence: missense variant.
Genome position (GRCh38, 1-based): chr12:5,044,922, G>T. VCF-style: chr12-5044922-G-T. GRCh37 (hg19) VCF-style: chr12-5154088-G-T.
Other names: c.775G>T (NM_002234.2); short protein forms V259F.
Identifiers: ClinVar variation 574748 (VCV000574748.11), dbSNP rs528511896, ClinGen allele CA231867812.